The following is an entry in ClinVar:

NM_198578.4(LRRK2):c.691T>C (p.Ser231Pro)

Gene: LRRK2 (leucine rich repeat kinase 2; plus strand). Cytogenetic location: 12q12.
Variant type: single nucleotide variant.
Coding change: c.691T>C on transcript NM_198578.4 (MANE Select); coding-DNA position 691, T replaced by C.
Protein change: p.Ser231Pro; replaces serine 231 with proline.
Molecular consequence: missense variant.
Genome position (GRCh38, 1-based): chr12:40,240,602, T>C. VCF-style: chr12-40240602-T-C. GRCh37 (hg19) VCF-style: chr12-40634404-T-C.
Other names: short protein forms S231P.
Identifiers: ClinVar variation 236285 (VCV000236285.6), dbSNP rs201332859, ClinGen allele CA6513153.
Genomic context (GRCh38, chr12:40,240,602, plus strand): 5'-GCGTTAACAAATTTTAAAGATGAAGAGGAAATTGTGCTTCATGTGCTGCATTGTTTACAT[T>C]CCCTAGCGATTCCTTGTAAGTAGCATTTAAATGTTATTTATTTTTTGTATCTGAAAAATT-3'
Protein context (NP_940980.4, residues 221-241): IVLHVLHCLH[Ser231Pro]LAIPCNNVEV

ClinVar aggregate classification (germline): Uncertain significance. Review status: criteria provided, single submitter (1 of 4 stars). 2 submissions from 2 submitters: Uncertain significance (1). 1 of the submissions does not count toward it. Last evaluated 2022-04-07.

Conditions:
Autosomal dominant Parkinson disease 8. Also called: Parkinson disease 8, susceptibility to; LRRK2-Related Parkinson Disease; Parkinson disease 8. Identifiers: Orphanet 411602, MedGen C1846862, MONDO:0011764, OMIM 607060.

Allele frequency attached by ClinVar (database versions not stated): gnomAD 0.00001 and 0.00003; 1000 Genomes Project 30x 0.00031; ExAC 0.00005; gnomAD exomes 0.00004; TOPMed 0.00006; 1000 Genomes Project 0.00040.
gnomAD v4.1: 31 of 1,613,318 alleles (0.0019%); highest among the groups gnomAD compares: East Asian, 0.065%; no homozygotes.

Submissions (2):

Labcorp Genetics (formerly Invitae), Labcorp
Classification: Uncertain significance for Autosomal dominant Parkinson disease 8. Last evaluated: 2022-04-07. Review status: criteria provided, single submitter. Criteria: Invitae Variant Classification Sherloc (09022015). Collection method: clinical testing. Allele origin: germline.
Comment: This variant is present in population databases (rs201332859, gnomAD 0.06%). In summary, the available evidence is currently insufficient to determine the role of this variant in disease. Therefore, it has been classified as a Variant of Uncertain Significance. Algorithms developed to predict the effect of missense changes on protein structure and function are either unavailable or do not agree on the potential impact of this missense change (SIFT: "Deleterious"; PolyPhen-2: "Benign"; Align-GVGD: "Class C0"). ClinVar contains an entry for this variant (Variation ID: 236285). This missense change has been observed in individual(s) with LRRK2-related conditions (PMID: 26213354, 32677286). This sequence change replaces serine, which is neutral and polar, with proline, which is neutral and non-polar, at codon 231 of the LRRK2 protein (p.Ser231Pro).

GeneReviews
Classification: Uncertain significance for Autosomal dominant Parkinson disease 8. Last evaluated: 2014-12-11. Review status: no assertion criteria provided. Collection method: literature only. Allele origin: germline. Affected: yes. Not counted in ClinVar's aggregate classification.

Literature cited by the submitters: PubMed 26213354 (cited by Labcorp Genetics (formerly Invitae), Labcorp); PubMed 32677286 (cited by Labcorp Genetics (formerly Invitae), Labcorp).